The following is an entry in ClinVar:

NM_015978.3(TNNI3K):c.1504G>C (p.Asp502His)

Genes: FPGT-TNNI3K (FPGT-TNNI3K readthrough; plus strand), TNNI3K (TNNI3 interacting kinase; plus strand). Cytogenetic location: 1p31.1.
Variant type: single nucleotide variant.
Coding change: c.1504G>C on transcript NM_015978.3 (MANE Select); coding-DNA position 1504, G replaced by C.
Protein change: p.Asp502His; replaces aspartic acid 502 with histidine.
Molecular consequence: missense variant.
Genome position (GRCh38, 1-based): chr1:74,369,422, G>C. VCF-style: chr1-74369422-G-C. GRCh37 (hg19) VCF-style: chr1-74835106-G-C.
Other names: c.1807G>C, p.Asp603His (NM_001112808.3, NM_001199327.2); short protein forms D502H, D603H.
Identifiers: ClinVar variation 4685433 (VCV004685433.1).

ClinVar aggregate classification (germline): Uncertain significance (1 of 4 stars; one submission).

Submission:

GeneDx
Classification: Uncertain significance. Last evaluated: 2025-07-12. Review status: criteria provided, single submitter. Criteria: GeneDx Variant Classification Process June 2021. Collection method: clinical testing. Allele origin: germline. Affected: yes.
Comment: Not observed at significant frequency in large population cohorts (gnomAD); In silico analysis supports that this missense variant has a deleterious effect on protein structure/function; Has not been previously published as pathogenic or benign to our knowledge